The following is an entry in ClinVar:

ClinVar aggregate classification (germline): Uncertain significance. Review status: criteria provided, multiple submitters, no conflicts (2 of 4 stars). 2 submissions from 2 submitters: Uncertain significance (2). Last evaluated 2022-09-14.

Conditions:
Progressive sclerosing poliodystrophy (MTDPS4A). Also called: ALPERS DIFFUSE DEGENERATION OF CEREBRAL GRAY MATTER WITH HEPATIC CIRRHOSIS; Alpers-Huttenlocher Syndrome; ALPERS PROGRESSIVE INFANTILE POLIODYSTROPHY; NEURONAL DEGENERATION OF CHILDHOOD WITH LIVER DISEASE, PROGRESSIVE; Mitochondrial DNA Depletion Syndrome 4A; Alpers-Huttenlocher Syndrome (AHS). Identifiers: Orphanet 726, MedGen C0205710, MONDO:0008758, OMIM 203700.

Allele frequency attached by ClinVar (database versions not stated): gnomAD exomes below 0.00001; ExAC 0.00001.
gnomAD v4.1: 1 of 1,614,150 alleles (0.000062%); highest among the groups gnomAD compares: South Asian, 0.0011%; no homozygotes.

Submissions (2):

Labcorp Genetics (formerly Invitae), Labcorp
Classification: Uncertain significance for Progressive sclerosing poliodystrophy. Last evaluated: 2022-09-14. Review status: criteria provided, single submitter. Criteria: Invitae Variant Classification Sherloc (09022015). Collection method: clinical testing. Allele origin: germline.
Comment: In summary, the available evidence is currently insufficient to determine the role of this variant in disease. Therefore, it has been classified as a Variant of Uncertain Significance. Advanced modeling of protein sequence and biophysical properties (such as structural, functional, and spatial information, amino acid conservation, physicochemical variation, residue mobility, and thermodynamic stability) has been performed at Invitae for this missense variant, however the output from this modeling did not meet the statistical confidence thresholds required to predict the impact of this variant on POLG protein function. ClinVar contains an entry for this variant (Variation ID: 218616). This variant has not been reported in the literature in individuals affected with POLG-related conditions. This variant is present in population databases (rs778531134, gnomAD 0.003%). This sequence change replaces alanine, which is neutral and non-polar, with threonine, which is neutral and polar, at codon 276 of the POLG protein (p.Ala276Thr).

Genomic Diagnostic Laboratory, Division of Genomic Diagnostics, Children's Hospital of Philadelphia
Classification: Uncertain significance. Last evaluated: 2015-06-16. Review status: criteria provided, single submitter. Criteria: DGD Variant Analysis Guidelines. Collection method: clinical testing. Allele origin: unknown.

NM_002693.3(POLG):c.826G>A (p.Ala276Thr)

Gene: POLG (DNA polymerase gamma, catalytic subunit; minus strand). Cytogenetic location: 15q26.1.
Variant type: single nucleotide variant.
Coding change: c.826G>A on transcript NM_002693.3 (MANE Select); coding-DNA position 826, G replaced by A.
Protein change: p.Ala276Thr; replaces alanine 276 with threonine.
Molecular consequence: missense variant.
Genome position (GRCh38, 1-based): chr15:89,330,110, C>T on the plus strand (G>A on the coding strand, the complement: POLG is on the minus strand). VCF-style: chr15-89330110-C-T. GRCh37 (hg19) VCF-style: chr15-89873341-C-T.
Other names: c.826G>A, p.Ala276Thr (NM_001126131.2); short protein forms A276T.
Identifiers: ClinVar variation 218616 (VCV000218616.6), dbSNP rs778531134, ClinGen allele CA249206.